The following is an entry in ClinVar:

ClinVar aggregate classification (germline): Uncertain significance (1 of 4 stars; one submission).

Submission:

Ambry Genetics
Classification: Uncertain significance. Last evaluated: 2025-03-18. Review status: criteria provided, single submitter. Criteria: Ambry Variant Classification Scheme 2023. Collection method: clinical testing. Allele origin: germline.
Comment: The p.G478V variant (also known as c.1433G>T), located in coding exon 8 of the PALLD gene, results from a G to T substitution at nucleotide position 1433. The glycine at codon 478 is replaced by valine, an amino acid with dissimilar properties. This amino acid position is conserved. In addition, this alteration is predicted to be deleterious by in silico analysis. Based on the available evidence, the clinical significance of this variant remains unclear.

NM_001166108.2(PALLD):c.2945G>T (p.Gly982Val)

Genes: CBR4 (carbonyl reductase 4; minus strand), PALLD (palladin, cytoskeletal associated protein; plus strand). Cytogenetic location: 4q32.3.
Variant type: single nucleotide variant.
Coding change: c.2945G>T on transcript NM_001166108.2 (MANE Select); coding-DNA position 2945, G replaced by T.
Protein change: p.Gly982Val; replaces glycine 982 with valine.
Molecular consequence: missense variant.
Genome position (GRCh38, 1-based): chr4:168,921,628, G>T. VCF-style: chr4-168921628-G-T. GRCh37 (hg19) VCF-style: chr4-169842779-G-T.
Other names: c.1748G>T, p.Gly583Val (NM_001166109.2); c.1433G>T, p.Gly478Val (NM_001166110.2); c.773G>T, p.Gly258Val (NM_001367567.1, NM_001367569.1); c.824G>T, p.Gly275Val (NM_001367568.1, NM_001367570.1); c.2894G>T, p.Gly965Val (NM_016081.4); short protein forms G275V, G583V, G982V, G258V, G478V, G965V.
Identifiers: ClinVar variation 3927506 (VCV003927506.1).